The following is an entry in ClinVar:

ClinVar aggregate classification (germline): Uncertain significance (1 of 4 stars; one submission).

Conditions:
Cardiovascular phenotype. Identifiers: MedGen CN230736.

Allele frequency attached by ClinVar (database versions not stated): gnomAD exomes below 0.00001.
gnomAD v4.1: 1 of 1,606,356 alleles (0.000062%); highest among the groups gnomAD compares: Non-Finnish European, 0.000085%; no homozygotes.

Submission:

Ambry Genetics
Classification: Uncertain significance for Cardiovascular phenotype. Last evaluated: 2022-12-16. Review status: criteria provided, single submitter. Criteria: Ambry Variant Classification Scheme 2023. Collection method: clinical testing. Allele origin: germline.
Comment: The p.Y88C variant (also known as c.263A>G), located in coding exon 2 of the PKP2 gene, results from an A to G substitution at nucleotide position 263. The tyrosine at codon 88 is replaced by cysteine, an amino acid with highly dissimilar properties. This amino acid position is conserved. In addition, this alteration is predicted to be deleterious by in silico analysis. Since supporting evidence is limited at this time, the clinical significance of this alteration remains unclear.

NM_001005242.3(PKP2):c.263A>G (p.Tyr88Cys)

Gene: PKP2 (plakophilin 2; minus strand). Cytogenetic location: 12p11.21.
Variant type: single nucleotide variant.
Coding change: c.263A>G on transcript NM_001005242.3 (MANE Select); coding-DNA position 263, A replaced by G.
Protein change: p.Tyr88Cys; replaces tyrosine 88 with cysteine.
Molecular consequence: missense variant. On other transcripts: 5 prime UTR variant (4).
Genome position (GRCh38, 1-based): chr12:32,878,993, T>C on the plus strand (A>G on the coding strand, the complement: PKP2 is on the minus strand). VCF-style: chr12-32878993-T-C. GRCh37 (hg19) VCF-style: chr12-33031927-T-C.
Other names: c.263A>G, p.Tyr88Cys (NM_001407155.1, NM_001407156.1, NM_001407157.1 and 2 more transcripts); c.-65A>G (NM_001407158.1, NM_001407159.1, NM_001407160.1 and 1 more transcripts); short protein forms Y88C.
Identifiers: ClinVar variation 2449721 (VCV002449721.2), dbSNP rs1956961884, ClinGen allele CA384366608.